The following is an entry in ClinVar:

ClinVar aggregate classification (germline): Uncertain significance (1 of 4 stars; one submission).

Conditions:
NCOA1-related disorder. Also called: NCOA1-related condition.

Submission:

PreventionGenetics, part of Exact Sciences
Classification: Uncertain significance for NCOA1-related condition. Last evaluated: 2026-05-20. Review status: criteria provided, single submitter. Criteria: ACMG Guidelines, 2015. Collection method: clinical testing. Allele origin: germline.
Comment: The NCOA1 c.1877A>G variant is predicted to result in the amino acid substitution p.Tyr626Cys. To our knowledge, this variant has not been reported in the literature or in a large population database (gnomAD), indicating this variant is rare. At this time, the clinical significance of this variant is uncertain due to the absence of conclusive functional and genetic evidence.

NM_003743.5(NCOA1):c.1877A>G (p.Tyr626Cys)

Gene: NCOA1 (nuclear receptor coactivator 1; plus strand). Cytogenetic location: 2p23.3.
Variant type: single nucleotide variant.
Coding change: c.1877A>G on transcript NM_003743.5 (MANE Select); coding-DNA position 1877, A replaced by G.
Protein change: p.Tyr626Cys; replaces tyrosine 626 with cysteine.
Molecular consequence: missense variant.
Genome position (GRCh38, 1-based): chr2:24,707,347, A>G. VCF-style: chr2-24707347-A-G. GRCh37 (hg19) VCF-style: chr2-24930216-A-G.
Other names: c.1877A>G, p.Tyr626Cys (NM_001362950.1, NM_001362952.1, NM_001362954.1 and 3 more transcripts); short protein forms Y626C.
Identifiers: ClinVar variation 4991216 (VCV004991216.1).